The following is an entry in ClinVar:

NM_001399.5(EDA):c.895G>T (p.Gly299Cys)

Gene: EDA (ectodysplasin A; plus strand). Cytogenetic location: Xq13.1.
Variant type: single nucleotide variant.
Coding change: c.895G>T on transcript NM_001399.5 (MANE Select); coding-DNA position 895, G replaced by T.
Protein change: p.Gly299Cys; replaces glycine 299 with cysteine.
Molecular consequence: missense variant.
Genome position (GRCh38, 1-based): chrX:70,033,499, G>T. VCF-style: chrX-70033499-G-T. GRCh37 (hg19) VCF-style: chrX-69253349-G-T.
Other names: c.895G>T, p.Gly299Cys (NM_001005609.2); c.886G>T, p.Gly296Cys (NM_001005612.3); short protein forms G296C, G299C.
Identifiers: ClinVar variation 2809152 (VCV002809152.2), dbSNP rs397516679, ClinGen allele CA413448972.
Genomic context (GRCh38, chrX:70,033,499, plus strand): 5'-ATGAACCCCAAGGTGTTTAAGCTACATCCCCGCAGCGGGGAGCTGGAGGTACTGGTGGAC[G>T]GCACCTACTTCATCTATAGTCAGGTAGAAGTGAGTACGGTCTTAGGCCTAACTCTTCTTA-3'
Protein context (NP_001390.1, residues 289-309): RSGELEVLVD[Gly299Cys]TYFIYSQVEV

ClinVar aggregate classification (germline): Likely pathogenic (1 of 4 stars; one submission).

Conditions:
Hypohidrotic X-linked ectodermal dysplasia (XHED). Also called: ECTODERMAL DYSPLASIA, HYPOHIDROTIC, 1; CST SYNDROME; Ectodermal Dysplasia 1, Anhidrotic; Christ-Siemans-Touraine syndrome; ECTODERMAL DYSPLASIA 1; ECTODERMAL DYSPLASIA 1, HYPOHIDROTIC, X-LINKED. Identifiers: Orphanet 181, Orphanet 238468, MedGen C0162359, MONDO:0010585, OMIM 305100.

Submission:

Labcorp Genetics (formerly Invitae), Labcorp
Classification: Likely pathogenic for Hypohidrotic X-linked ectodermal dysplasia. Last evaluated: 2022-10-20. Review status: criteria provided, single submitter. Criteria: Invitae Variant Classification Sherloc (09022015). Collection method: clinical testing. Allele origin: germline.
Comment: This sequence change replaces glycine, which is neutral and non-polar, with cysteine, which is neutral and slightly polar, at codon 299 of the EDA protein (p.Gly299Cys). This variant is not present in population databases (gnomAD no frequency). This missense change has been observed in individual(s) with clinical features of ectodermal dysplasia (Invitae). Advanced modeling of protein sequence and biophysical properties (such as structural, functional, and spatial information, amino acid conservation, physicochemical variation, residue mobility, and thermodynamic stability) performed at Invitae indicates that this missense variant is expected to disrupt EDA protein function. This variant disrupts the p.Gly299 amino acid residue in EDA. Other variant(s) that disrupt this residue have been determined to be pathogenic (PMID: 9683615, 21357618, 26273176, 26345974, 30117778, 202361270). This suggests that this residue is clinically significant, and that variants that disrupt this residue are likely to be disease-causing. In summary, the currently available evidence indicates that the variant is pathogenic, but additional data are needed to prove that conclusively. Therefore, this variant has been classified as Likely Pathogenic.

Literature cited by the submitters: PubMed 9683615; PubMed 21357618; PubMed 26273176; PubMed 26345974; PubMed 30117778; PubMed 202361270.